The following is an entry in ClinVar:

NM_022117.4(TSPYL2):c.226T>C (p.Tyr76His)

Genes: TSPYL2 (TSPY like 2; plus strand), LOC130068302 (ATAC-STARR-seq lymphoblastoid silent region 20854; plus strand). Cytogenetic location: Xp11.22.
Variant type: single nucleotide variant.
Coding change: c.226T>C on transcript NM_022117.4 (MANE Select); coding-DNA position 226, T replaced by C.
Protein change: p.Tyr76His; replaces tyrosine 76 with histidine.
Molecular consequence: missense variant.
Genome position (GRCh38, 1-based): chrX:53,082,724, T>C. VCF-style: chrX-53082724-T-C. GRCh37 (hg19) VCF-style: chrX-53111906-T-C.
Other names: short protein forms Y76H.
Identifiers: ClinVar variation 4985959 (VCV004985959.1).

ClinVar aggregate classification (germline): Uncertain significance (1 of 4 stars; one submission).

Conditions:
TSPYL2-related condition.

gnomAD v4.1: 1 of 1,163,051 alleles (0.000086%); highest among the groups gnomAD compares: Non-Finnish European, 0.00011%; no homozygotes.

Submission:

PreventionGenetics, part of Exact Sciences
Classification: Uncertain significance for TSPYL2-related condition. Last evaluated: 2026-01-30. Review status: criteria provided, single submitter. Criteria: ACMG Guidelines, 2015. Collection method: clinical testing. Allele origin: germline.
Comment: The TSPYL2 c.226T>C variant is predicted to result in the amino acid substitution p.Tyr76His. To our knowledge, this variant has not been reported in the literature or in a large population database (gnomAD), indicating this variant is rare. At this time, the clinical significance of this variant is uncertain due to the absence of conclusive functional and genetic evidence.